The following is an entry in ClinVar:

NM_001082486.2(ACD):c.1148G>A (p.Arg383Gln)

Gene: ACD (ACD shelterin complex subunit and telomerase recruitment factor; minus strand). Cytogenetic location: 16q22.1.
Variant type: single nucleotide variant.
Coding change: c.1148G>A on transcript NM_001082486.2 (MANE Select); coding-DNA position 1148, G replaced by A.
Protein change: p.Arg383Gln; replaces arginine 383 with glutamine.
Molecular consequence: missense variant.
Genome position (GRCh38, 1-based): chr16:67,658,044, C>T on the plus strand (G>A on the coding strand, the complement: ACD is on the minus strand). VCF-style: chr16-67658044-C-T. GRCh37 (hg19) VCF-style: chr16-67691947-C-T.
Other names: c.1139G>A, p.Arg380Gln (NM_022914.3); short protein forms R380Q, R383Q.
Identifiers: ClinVar variation 838233 (VCV000838233.9), dbSNP rs200293827, ClinGen allele CA8114434.

ClinVar aggregate classification (germline): Conflicting classifications of pathogenicity. Review status: criteria provided, conflicting classifications (1 of 4 stars). 4 submissions from 4 submitters: Uncertain significance (1); Likely benign (3). Last evaluated 2026-01-28.

Conditions:
Inborn genetic diseases. Identifiers: MedGen C0950123, MeSH D030342.
Dyskeratosis congenita, autosomal dominant 6 (DKCA6). Identifiers: Orphanet 3322, MedGen C4225284, MONDO:0014690, OMIM 616553.

Allele frequency attached by ClinVar (database versions not stated): TOPMed 0.00008; gnomAD 0.00009 and 0.00010; gnomAD exomes 0.00014 and 0.00015; ExAC 0.00015; ESP Exome Variant Server 0.00015.
gnomAD v4.1: 227 of 1,547,218 alleles (0.015%); highest among the groups gnomAD compares: Admixed American, 0.018%; 1 homozygote.

Submissions (4):

Labcorp Genetics (formerly Invitae), Labcorp
Classification: Uncertain significance for Dyskeratosis congenita, autosomal dominant 6. Last evaluated: 2026-01-28. Review status: criteria provided, single submitter. Criteria: Invitae Variant Classification Sherloc (09022015). Collection method: clinical testing. Allele origin: germline.
Comment: This sequence change replaces arginine, which is basic and polar, with glutamine, which is neutral and polar, at codon 469 of the ACD protein (p.Arg469Gln). This variant is present in population databases (rs200293827, gnomAD 0.03%). This variant has not been reported in the literature in individuals affected with ACD-related conditions. ClinVar contains an entry for this variant (Variation ID: 838233). Invitae Evidence Modeling of protein sequence and biophysical properties (such as structural, functional, and spatial information, amino acid conservation, physicochemical variation, residue mobility, and thermodynamic stability) indicates that this missense variant is not expected to disrupt ACD protein function with a negative predictive value of 80%. In summary, the available evidence is currently insufficient to determine the role of this variant in disease. Therefore, it has been classified as a Variant of Uncertain Significance.

Center for Genomic Medicine, Rigshospitalet, Copenhagen University Hospital
Classification: Likely benign. Last evaluated: 2025-12-29. Review status: criteria provided, single submitter. Criteria: ACMG Guidelines, 2015. Collection method: clinical testing. Allele origin: germline.
Comment: Classification criteria: BP4_very strong

Blueprint Genetics
Classification: Likely benign. Last evaluated: 2024-10-03. Review status: criteria provided, single submitter. Criteria: ACMG Guidelines, 2015. Collection method: clinical testing. Allele origin: germline.

Ambry Genetics
Classification: Likely benign for Inborn genetic diseases. Last evaluated: 2022-06-24. Review status: criteria provided, single submitter. Criteria: Ambry Variant Classification Scheme 2023. Collection method: clinical testing. Allele origin: germline.